The following is an entry in ClinVar:

NM_005619.5(RTN2):c.1033+118A>C

Genes: OPA3-RTN2 (OPA3-RTN2 readthrough; minus strand), RTN2 (reticulon 2; minus strand). Cytogenetic location: 19q13.32.
Variant type: single nucleotide variant.
Coding change: c.1033+118A>C on transcript NM_005619.5 (MANE Select); 118 bases into the intron after coding-DNA position 1033, A replaced by C.
Molecular consequence: intron variant.
Genome position (GRCh38, 1-based): chr19:45,493,042, T>G on the plus strand (A>C on the coding strand, the complement: RTN2 is on the minus strand). VCF-style: chr19-45493042-T-G. GRCh37 (hg19) VCF-style: chr19-45996300-T-G.
Other names: c.814+1124A>C (NM_206900.3); c.13+118A>C (NM_206901.3).
Identifiers: ClinVar variation 669159 (VCV000669159.1), dbSNP rs2239376, ClinGen allele CA308953353.
Genomic context (GRCh38, chr19:45,493,042, plus strand): 5'-GGGACCCCATGCTCCCTCTGGGTCCTCCCTATACTGCCCCTCGGCCCCCTAGCCCCAGCC[T>G]GCAGCGCTGCGGAAGCAGATCAGTAATAAAAATGCTCCGGATGTGCAGGAGATAAGGGCG-3'

ClinVar aggregate classification (germline): Benign (1 of 4 stars; one submission).

Allele frequency attached by ClinVar (database versions not stated): TOPMed 0.15544; 1000 Genomes Project 30x 0.15646; 1000 Genomes Project 0.15695; gnomAD exomes 0.15826; gnomAD 0.16114 and 0.16122.
gnomAD v4.1: 167,455 of 1,056,180 alleles (16%); highest among the groups gnomAD compares: South Asian, 23%; 14,165 homozygotes.

Submission:

GeneDx
Classification: Benign. Last evaluated: 2018-06-14. Review status: criteria provided, single submitter. Criteria: GeneDx Variant Classification (06012015). Collection method: clinical testing. Allele origin: germline. Affected: yes.
Comment: This variant is considered likely benign or benign based on one or more of the following criteria: it is a conservative change, it occurs at a poorly conserved position in the protein, it is predicted to be benign by multiple in silico algorithms, and/or has population frequency not consistent with disease.